The following is an entry in ClinVar:

NM_006031.6(PCNT):c.7540C>T (p.Arg2514Trp)

Gene: PCNT (pericentrin; plus strand). Cytogenetic location: 21q22.3.
Variant type: single nucleotide variant.
Coding change: c.7540C>T on transcript NM_006031.6 (MANE Select); coding-DNA position 7540, C replaced by T.
Protein change: p.Arg2514Trp; replaces arginine 2514 with tryptophan.
Molecular consequence: missense variant.
Genome position (GRCh38, 1-based): chr21:46,428,440, C>T. VCF-style: chr21-46428440-C-T. GRCh37 (hg19) VCF-style: chr21-47848354-C-T.
Other names: c.7540C>T (NM_006031.5); c.7186C>T, p.Arg2396Trp (NM_001315529.2); short protein forms R2396W, R2514W.
Identifiers: ClinVar variation 1928283 (VCV001928283.3), dbSNP rs375694960, ClinGen allele CA10080701.

ClinVar aggregate classification (germline): Uncertain significance. Review status: criteria provided, multiple submitters, no conflicts (2 of 4 stars). 2 submissions from 2 submitters: Uncertain significance (2). Last evaluated 2026-05-11.

Conditions:
PCNT-related disorder. Also called: PCNT-related condition.

Allele frequency attached by ClinVar (database versions not stated): gnomAD exomes 0.00001; TOPMed 0.00002; ExAC 0.00003; gnomAD 0.00003; ESP Exome Variant Server 0.00008.
gnomAD v4.1: 18 of 1,612,418 alleles (0.0011%); highest among the groups gnomAD compares: African/African-American, 0.0067%; no homozygotes.

Submissions (2):

PreventionGenetics, part of Exact Sciences
Classification: Uncertain significance for PCNT-related condition. Last evaluated: 2026-05-11. Review status: criteria provided, single submitter. Criteria: ACMG Guidelines, 2015. Collection method: clinical testing. Allele origin: germline.
Comment: The PCNT c.7540C>T variant is predicted to result in the amino acid substitution p.Arg2514Trp. To our knowledge, this variant has not been reported in the literature. This variant is reported in 0.013% of alleles in individuals of African descent in gnomAD. At this time, the clinical significance of this variant is uncertain due to the absence of conclusive functional and genetic evidence.

Labcorp Genetics (formerly Invitae), Labcorp
Classification: Uncertain significance. Last evaluated: 2022-07-13. Review status: criteria provided, single submitter. Criteria: Invitae Variant Classification Sherloc (09022015). Collection method: clinical testing. Allele origin: germline.
Comment: This sequence change replaces arginine, which is basic and polar, with tryptophan, which is neutral and slightly polar, at codon 2514 of the PCNT protein (p.Arg2514Trp). This variant is present in population databases (rs375694960, gnomAD 0.01%). This variant has not been reported in the literature in individuals affected with PCNT-related conditions. Algorithms developed to predict the effect of missense changes on protein structure and function (SIFT, PolyPhen-2, Align-GVGD) all suggest that this variant is likely to be disruptive. In summary, the available evidence is currently insufficient to determine the role of this variant in disease. Therefore, it has been classified as a Variant of Uncertain Significance.